The following is an entry in ClinVar:

NM_001267550.2(TTN):c.67574del (p.Ala22525fs)

Genes: TTN (titin; minus strand), TTN-AS1 (TTN antisense RNA 1; plus strand), LOC126806423 (CDK7 strongly-dependent group 2 enhancer GRCh37_chr2:179443309-179444508; plus strand). Cytogenetic location: 2q31.2.
Variant type: Deletion.
Coding change: c.67574del on transcript NM_001267550.2 (MANE Select); coding-DNA position 67574, one base deleted (C; older notation c.67574delC).
Protein change: p.Ala22525fs; shifts the reading frame from alanine 22525.
Molecular consequence: frameshift variant.
Genome position (GRCh38, 1-based): chr2:178,579,623, G deleted on the plus strand (C on the coding strand, the reverse complement: TTN is on the minus strand). VCF-style (leftmost placement, unchanged base first): chr2-178579622-AG-A. GRCh37 (hg19) VCF-style: chr2-179444349-AG-A.
Other names: c.62651del, p.Ala20884fs (NM_001256850.1); c.40379del, p.Ala13460fs (NM_003319.4); c.59870del, p.Ala19957fs (NM_133378.4); c.40754del, p.Ala13585fs (NM_133432.3); c.40955del, p.Ala13652fs (NM_133437.4); short protein forms A13460fs, A13585fs, A13652fs, A19957fs, A20884fs, A22525fs.
Identifiers: ClinVar variation 3382691 (VCV003382691.3).
Genomic context (GRCh38, chr2:178,579,622, plus strand): 5'-AACATCATCCCTTGCCACAACAGTGATTTCGCTTGGGGTTCCTTCTCCATTTTCATTCTC[AG>A]CACTCACTCTGAAGGTATATTCCTTCCCTTCAGTCAAATCTTTTGCAGAGTACTGTAGGC-3'

ClinVar aggregate classification (germline): Likely pathogenic (1 of 4 stars; one submission).

Conditions:
Dilated cardiomyopathy 1G (CMD1G). Identifiers: Orphanet 154, MedGen C1858763, MONDO:0011400, OMIM 604145.
Hypertrophic cardiomyopathy 9. Also called: Familial hypertrophic cardiomyopathy 9. Identifiers: MedGen C1861065, MONDO:0013412, OMIM 613765.
Early-onset myopathy with fatal cardiomyopathy (CMYO5). Also called: Salih Myopathy; CONGENITAL MYOPATHY 5 WITH CARDIOMYOPATHY. Identifiers: Orphanet 289377, MedGen C2673677, MONDO:0012714, OMIM 611705. Disease mechanism: loss of function.
Tibial muscular dystrophy (TMD). Also called: Tibial muscular dystrophy, tardive; Udd Distal Myopathy – Tibial Muscular Dystrophy; UDD MYOPATHY. Identifiers: Orphanet 609, MedGen C1838244, MONDO:0010870, OMIM 600334.
Autosomal recessive limb-girdle muscular dystrophy type 2J (LGMDR10). Also called: MUSCULAR DYSTROPHY, LIMB-GIRDLE, AUTOSOMAL RECESSIVE 10; Limb-girdle muscular dystrophy, type 2J. Identifiers: Orphanet 140922, MedGen C1837342, MONDO:0012127, OMIM 608807.
Myopathy, myofibrillar, 9, with early respiratory failure (MFM9). Also called: EDSTROM MYOPATHY; Myopathy, distal, with early respiratory failure, autosomal dominant; Hereditary myopathy with early respiratory failure; MYOPATHY, PROXIMAL, WITH EARLY RESPIRATORY MUSCLE INVOLVEMENT. Identifiers: Orphanet 178464, Orphanet 34521, MedGen C1863599, MONDO:0011362, OMIM 603689.

Submission:

Juno Genomics, Hangzhou Juno Genomics, Inc
Classification: Likely pathogenic for Early-onset myopathy with fatal cardiomyopathy; Dilated cardiomyopathy 1G; Hypertrophic cardiomyopathy 9; Autosomal recessive limb-girdle muscular dystrophy type 2J; Myopathy, myofibrillar, 9, with early respiratory failure; Tibial muscular dystrophy. Review status: criteria provided, single submitter. Criteria: ACMG Guidelines, 2015. Collection method: clinical testing. Allele origin: germline.
Comment: Absent from controls (or at extremely low frequency if recessive) in Genome Aggregation Database.;Null variant in a gene where loss of function (LOF) is a known mechanism of disease.